The following is an entry in ClinVar:

ClinVar aggregate classification (germline): Benign/Likely benign. Review status: criteria provided, multiple submitters, no conflicts (2 of 4 stars). 9 submissions from 9 submitters: Benign (4); Likely benign (4). 1 of the submissions does not count toward it. Last evaluated 2026-01-28.

Conditions:
Tumor predisposition syndrome 3 (TPDS3). Also called: Glioma susceptibility 9; Melanoma, cutaneous malignant, susceptibility to, 10; LONG TELOMERE SYNDROME, POT1-RELATED; POT1 Tumor Predisposition. Identifiers: Orphanet 618, MedGen C4014476, MONDO:0014368, OMIM 615848.
Hereditary cancer-predisposing syndrome. Also called: Hereditary neoplastic syndrome; Tumor predisposition; Neoplastic Syndromes, Hereditary; Hereditary Cancer Syndrome. Identifiers: Orphanet 140162, MedGen C0027672, MeSH D009386, MONDO:0015356.
POT1-related disorder. Also called: POT1-related condition.

Allele frequency attached by ClinVar (database versions not stated): gnomAD exomes 0.00042; ExAC 0.00061; 1000 Genomes Project 0.00160; gnomAD 0.00161 and 0.00171; TOPMed 0.00170; 1000 Genomes Project 30x 0.00203; ESP Exome Variant Server 0.00238.
gnomAD v4.1: 483 of 1,608,012 alleles (0.03%); highest among the groups gnomAD compares: African/African-American, 0.57%; no homozygotes.

Submissions (9):

Labcorp Genetics (formerly Invitae), Labcorp
Classification: Benign for Tumor predisposition syndrome 3. Last evaluated: 2026-01-28. Review status: criteria provided, single submitter. Criteria: Invitae Variant Classification Sherloc (09022015). Collection method: clinical testing. Allele origin: germline.

Quest Diagnostics Nichols Institute San Juan Capistrano
Classification: Benign. Last evaluated: 2025-07-23. Review status: criteria provided, single submitter. Criteria: Quest Diagnostics criteria. Collection method: clinical testing. Allele origin: unknown.

Blueprint Genetics
Classification: Likely benign. Last evaluated: 2024-09-13. Review status: criteria provided, single submitter. Criteria: ACMG Guidelines, 2015. Collection method: clinical testing. Allele origin: germline.

CeGaT Center for Human Genetics Tuebingen
Classification: Benign. Last evaluated: 2022-08-01. Review status: criteria provided, single submitter. Criteria: CeGaT Center For Human Genetics Tuebingen Variant Classification Criteria Version 2. Collection method: clinical testing. Allele origin: germline. Affected: yes. Observed: 1 variant allele.
Comment: POT1: BS1, BS2

Genetic Services Laboratory, University of Chicago
Classification: Benign. Last evaluated: 2021-05-03. Review status: criteria provided, single submitter. Criteria: ACMG Guidelines, 2015. Collection method: clinical testing. Allele origin: germline. Affected: no.

Sema4
Classification: Likely benign for Hereditary cancer-predisposing syndrome. Last evaluated: 2021-01-18. Review status: criteria provided, single submitter. Criteria: Sema4 Curation Guidelines. Collection method: curation. Allele origin: germline.

Ambry Genetics
Classification: Likely benign for Hereditary cancer-predisposing syndrome. Last evaluated: 2018-05-16. Review status: criteria provided, single submitter. Criteria: Ambry Variant Classification Scheme 2023. Collection method: clinical testing. Allele origin: germline.

GeneDx
Classification: Likely benign. Last evaluated: 2018-01-18. Review status: criteria provided, single submitter. Criteria: GeneDx Variant Classification (06012015). Collection method: clinical testing. Allele origin: germline. Affected: yes.
Comment: This variant is considered likely benign or benign based on one or more of the following criteria: it is a conservative change, it occurs at a poorly conserved position in the protein, it is predicted to be benign by multiple in silico algorithms, and/or has population frequency not consistent with disease.

PreventionGenetics, part of Exact Sciences
Classification: Benign for POT1-related condition. Last evaluated: 2020-08-06. Review status: no assertion criteria provided. Collection method: clinical testing. Allele origin: germline. Not counted in ClinVar's aggregate classification.
Comment: This variant is classified as benign based on ACMG/AMP sequence variant interpretation guidelines (Richards et al. 2015 PMID: 25741868, with internal and published modifications).

Literature cited by the submitters: PubMed 30556179 (cited by Quest Diagnostics Nichols Institute San Juan Capistrano).

NM_015450.3(POT1):c.751A>G (p.Met251Val)

Gene: POT1 (protection of telomeres 1; minus strand). Cytogenetic location: 7q31.33.
Variant type: single nucleotide variant.
Coding change: c.751A>G on transcript NM_015450.3 (MANE Select); coding-DNA position 751, A replaced by G.
Protein change: p.Met251Val; replaces methionine 251 with valine.
Molecular consequence: missense variant. On other transcripts: non-coding transcript variant (3).
Genome position (GRCh38, 1-based): chr7:124,853,090, T>C on the plus strand (A>G on the coding strand, the complement: POT1 is on the minus strand). VCF-style: chr7-124853090-T-C. GRCh37 (hg19) VCF-style: chr7-124493144-T-C.
Other names: c.358A>G, p.Met120Val (NM_001042594.2); short protein forms M251V, M120V.
Identifiers: ClinVar variation 475100 (VCV000475100.47), dbSNP rs148397357, ClinGen allele CA4465359.